The following is an entry in ClinVar:

ClinVar aggregate classification (germline): Uncertain significance. Review status: criteria provided, multiple submitters, no conflicts (2 of 4 stars). 2 submissions from 2 submitters: Uncertain significance (2). Last evaluated 2025-01-10.

Conditions:
Inborn genetic diseases. Identifiers: MedGen C0950123, MeSH D030342.
Combined immunodeficiency due to LRBA deficiency. Also called: Common variable immunodeficiency 8, with autoimmunity. Identifiers: Orphanet 445018, MedGen C3553512, MONDO:0013863, OMIM 614700.

Submissions (2):

Ambry Genetics
Classification: Uncertain significance for Inborn genetic diseases. Last evaluated: 2025-01-10. Review status: criteria provided, single submitter. Criteria: Ambry Variant Classification Scheme 2023. Collection method: clinical testing. Allele origin: germline.

Labcorp Genetics (formerly Invitae), Labcorp
Classification: Uncertain significance for Combined immunodeficiency due to LRBA deficiency. Last evaluated: 2023-10-13. Review status: criteria provided, single submitter. Criteria: Invitae Variant Classification Sherloc (09022015). Collection method: clinical testing. Allele origin: germline.
Comment: This sequence change replaces histidine, which is basic and polar, with arginine, which is basic and polar, at codon 1914 of the LRBA protein (p.His1914Arg). This variant is not present in population databases (gnomAD no frequency). This variant has not been reported in the literature in individuals affected with LRBA-related conditions. ClinVar contains an entry for this variant (Variation ID: 1472983). Advanced modeling of protein sequence and biophysical properties (such as structural, functional, and spatial information, amino acid conservation, physicochemical variation, residue mobility, and thermodynamic stability) performed at Invitae indicates that this missense variant is expected to disrupt LRBA protein function. In summary, the available evidence is currently insufficient to determine the role of this variant in disease. Therefore, it has been classified as a Variant of Uncertain Significance.

NM_001364905.1(LRBA):c.5741A>G (p.His1914Arg)

Gene: LRBA (LPS responsive beige-like anchor protein; minus strand). Cytogenetic location: 4q31.3.
Variant type: single nucleotide variant.
Coding change: c.5741A>G on transcript NM_001364905.1 (MANE Select); coding-DNA position 5741, A replaced by G.
Protein change: p.His1914Arg; replaces histidine 1914 with arginine.
Molecular consequence: missense variant.
Genome position (GRCh38, 1-based): chr4:150,735,271, T>C on the plus strand (A>G on the coding strand, the complement: LRBA is on the minus strand). VCF-style: chr4-150735271-T-C. GRCh37 (hg19) VCF-style: chr4-151656423-T-C.
Other names: c.5741A>G, p.His1914Arg (NM_001199282.3, NM_001367550.1, NM_006726.5); short protein forms H1914R.
Identifiers: ClinVar variation 1472983 (VCV001472983.9), dbSNP rs2127142026, ClinGen allele CA358607630.